The following is an entry in ClinVar:

ClinVar aggregate classification (germline): Likely benign. Review status: criteria provided, multiple submitters, no conflicts (2 of 4 stars). 3 submissions from 3 submitters: Likely benign (3). Last evaluated 2023-02-01.

Allele frequency attached by ClinVar (database versions not stated): 1000 Genomes Project 0.00439; 1000 Genomes Project 30x 0.00453; gnomAD 0.00621 and 0.00626; ExAC 0.00630; gnomAD exomes 0.00644 and 0.00922; TOPMed 0.00665; ESP Exome Variant Server 0.00807.
gnomAD v4.1: 14,401 of 1,613,858 alleles (0.89%); highest among the groups gnomAD compares: Non-Finnish European, 1.1%; 86 homozygotes.

Submissions (3):

CeGaT Center for Human Genetics Tuebingen
Classification: Likely benign. Last evaluated: 2023-02-01. Review status: criteria provided, single submitter. Criteria: CeGaT Center For Human Genetics Tuebingen Variant Classification Criteria Version 2. Collection method: clinical testing. Allele origin: germline. Affected: yes. Observed: 1 variant allele.
Comment: FOXM1: BS2

Labcorp Genetics (formerly Invitae), Labcorp
Classification: Likely benign. Last evaluated: 2018-06-08. Review status: criteria provided, single submitter. Criteria: Invitae Variant Classification Sherloc (09022015). Collection method: clinical testing. Allele origin: germline.

Breakthrough Genomics
Classification: Likely benign. Review status: criteria provided, single submitter. Criteria: ACMG Guidelines, 2015. Collection method: not provided. Allele origin: germline. Inheritance: Unknown mechanism. Affected: yes.

NM_021953.4(FOXM1):c.2018C>T (p.Pro673Leu)

Genes: FOXM1 (forkhead box M1; minus strand), ITFG2 (integrin alpha FG-GAP repeat containing 2; plus strand). Cytogenetic location: 12p13.33.
Variant type: single nucleotide variant.
Coding change: c.2018C>T on transcript NM_021953.4 (MANE Select); coding-DNA position 2018, C replaced by T.
Protein change: p.Pro673Leu; replaces proline 673 with leucine.
Molecular consequence: missense variant.
Genome position (GRCh38, 1-based): chr12:2,858,912, G>A on the plus strand (C>T on the coding strand, the complement: FOXM1 is on the minus strand). VCF-style: chr12-2858912-G-A. GRCh37 (hg19) VCF-style: chr12-2968078-G-A.
Other names: c.1973C>T, p.Pro658Leu (NM_001243088.2, NM_202003.3); c.1970C>T, p.Pro657Leu (NM_001243089.2); c.2132C>T, p.Pro711Leu (NM_202002.3); short protein forms P658L, P711L, P657L, P673L.
Identifiers: ClinVar variation 773528 (VCV000773528.28), dbSNP rs28919870, ClinGen allele CA6391639.